The following is an entry in ClinVar:

NM_015295.3(SMCHD1):c.5936C>T (p.Thr1979Met)

Gene: SMCHD1 (structural maintenance of chromosomes flexible hinge domain containing 1; plus strand). Cytogenetic location: 18p11.32.
Variant type: single nucleotide variant.
Coding change: c.5936C>T on transcript NM_015295.3 (MANE Select); coding-DNA position 5936, C replaced by T.
Protein change: p.Thr1979Met; replaces threonine 1979 with methionine.
Molecular consequence: missense variant.
Genome position (GRCh38, 1-based): chr18:2,796,464, C>T. VCF-style: chr18-2796464-C-T. GRCh37 (hg19) VCF-style: chr18-2796462-C-T.
Other names: c.5936C>T (NM_015295.2); short protein forms T1979M.
Identifiers: ClinVar variation 1436569 (VCV001436569.7), dbSNP rs747322089, ClinGen allele CA8871821.

ClinVar aggregate classification (germline): Uncertain significance. Review status: criteria provided, multiple submitters, no conflicts (2 of 4 stars). 2 submissions from 2 submitters: Uncertain significance (2). Last evaluated 2024-02-05.

Conditions:
Facioscapulohumeral muscular dystrophy 2 (FSHD2). Also called: FACIOSCAPULOHUMERAL MUSCULAR DYSTROPHY 2, DIGENIC; FSHD2, DIGENIC; MUSCULAR DYSTROPHY, FACIOSCAPULOHUMERAL, TYPE 1B. Identifiers: Orphanet 269, MedGen C1834671, MONDO:0008031, OMIM 158901.

Allele frequency attached by ClinVar (database versions not stated): gnomAD 0.00003.
gnomAD v4.1: 43 of 1,605,842 alleles (0.0027%); highest among the groups gnomAD compares: South Asian, 0.026%; 1 homozygote.

Submissions (2):

Labcorp Genetics (formerly Invitae), Labcorp
Classification: Uncertain significance for Facioscapulohumeral muscular dystrophy 2. Last evaluated: 2024-02-05. Review status: criteria provided, single submitter. Criteria: Invitae Variant Classification Sherloc (09022015). Collection method: clinical testing. Allele origin: germline.
Comment: This sequence change replaces threonine, which is neutral and polar, with methionine, which is neutral and non-polar, at codon 1979 of the SMCHD1 protein (p.Thr1979Met). This variant is present in population databases (rs747322089, gnomAD 0.02%). This variant has not been reported in the literature in individuals affected with SMCHD1-related conditions. ClinVar contains an entry for this variant (Variation ID: 1436569). Advanced modeling of protein sequence and biophysical properties (such as structural, functional, and spatial information, amino acid conservation, physicochemical variation, residue mobility, and thermodynamic stability) performed at Invitae indicates that this missense variant is not expected to disrupt SMCHD1 protein function with a negative predictive value of 80%. In summary, the available evidence is currently insufficient to determine the role of this variant in disease. Therefore, it has been classified as a Variant of Uncertain Significance.

Revvity Omics, Revvity
Classification: Uncertain significance. Last evaluated: 2021-04-15. Review status: criteria provided, single submitter. Criteria: ACMG Guidelines, 2015. Collection method: clinical testing. Allele origin: germline.